The following is an entry in ClinVar:

NM_002474.3(MYH11):c.804A>C (p.Lys268Asn)

Gene: MYH11 (myosin heavy chain 11; minus strand). Cytogenetic location: 16p13.11.
Variant type: single nucleotide variant.
Coding change: c.804A>C on transcript NM_002474.3 (MANE Select); coding-DNA position 804, A replaced by C.
Protein change: p.Lys268Asn; replaces lysine 268 with asparagine.
Molecular consequence: missense variant.
Genome position (GRCh38, 1-based): chr16:15,776,163, T>G on the plus strand (A>C on the coding strand, the complement: MYH11 is on the minus strand). VCF-style: chr16-15776163-T-G. GRCh37 (hg19) VCF-style: chr16-15870020-T-G.
Other names: c.825A>C, p.Lys275Asn (NM_001040113.2, NM_001040114.2); c.804A>C, p.Lys268Asn (NM_022844.3); short protein forms K275N, K268N.
Identifiers: ClinVar variation 2773866 (VCV002773866.2), dbSNP rs1180741171, ClinGen allele CA394869611.

ClinVar aggregate classification (germline): Uncertain significance (1 of 4 stars; one submission).

Conditions:
Familial thoracic aortic aneurysm and aortic dissection (TAAD). Also called: Thoracic aortic aneurysms and dissections. Identifiers: Orphanet 91387, MedGen C4707243, MONDO:0019625.

Submission:

Color Diagnostics, LLC DBA Color Health
Classification: Uncertain significance for Familial thoracic aortic aneurysm and aortic dissection. Last evaluated: 2024-03-06. Review status: criteria provided, single submitter. Criteria: ACMG Guidelines, 2015. Collection method: clinical testing. Allele origin: germline.
Comment: This missense variant replaces lysine with asparagine at codon 275 of the MYH11 protein. Computational prediction suggests that this variant may have deleterious impact on protein structure and function (internally defined REVEL score threshold >= 0.7, PMID: 27666373). To our knowledge, functional studies have not been reported for this variant. This variant has not been reported in individuals affected with cardiovascular disorders in the literature. This variant has not been identified in the general population by the Genome Aggregation Database (gnomAD). The available evidence is insufficient to determine the role of this variant in disease conclusively. Therefore, this variant is classified as a Variant of Uncertain Significance.